The following is an entry in ClinVar:

NM_001371727.1(GABRB2):c.680-118G>T

Gene: GABRB2 (gamma-aminobutyric acid type A receptor subunit beta2; minus strand). Cytogenetic location: 5q34.
Variant type: single nucleotide variant.
Coding change: c.680-118G>T on transcript NM_001371727.1 (MANE Select); 118 bases into the intron before coding-DNA position 680, G replaced by T.
Molecular consequence: intron variant.
Genome position (GRCh38, 1-based): chr5:161,335,022, C>A on the plus strand (G>T on the coding strand, the complement: GABRB2 is on the minus strand). VCF-style: chr5-161335022-C-A. GRCh37 (hg19) VCF-style: chr5-160762029-C-A.
Other names: c.680-118G>T (NM_000813.3, NM_021911.3).
Identifiers: ClinVar variation 677615 (VCV000677615.1), dbSNP rs73797577, ClinGen allele CA131020437.
Genomic context (GRCh38, chr5:161,335,022, plus strand): 5'-CTTTAAAGGTGCATAAACAGTACCTCTTCTCTCAGTTCAGTTTTAGCTCTTAGTGAAGGA[C>A]ACTTTCTTCTGCAAAAGTAGTCTGAGAGCCCTGAGTTTCTAATTACCAGGAGTTACTCAG-3'

ClinVar aggregate classification (germline): Likely benign (1 of 4 stars; one submission).

Allele frequency attached by ClinVar (database versions not stated): gnomAD 0.00401 and 0.00424; 1000 Genomes Project 0.00419; TOPMed 0.00452; 1000 Genomes Project 30x 0.00484.
gnomAD v4.1: 1,030 of 996,960 alleles (0.1%); highest among the groups gnomAD compares: African/African-American, 1.3%; 8 homozygotes.

Submission:

GeneDx
Classification: Likely benign. Last evaluated: 2018-06-14. Review status: criteria provided, single submitter. Criteria: GeneDx Variant Classification (06012015). Collection method: clinical testing. Allele origin: germline. Affected: yes.
Comment: This variant is considered likely benign or benign based on one or more of the following criteria: it is a conservative change, it occurs at a poorly conserved position in the protein, it is predicted to be benign by multiple in silico algorithms, and/or has population frequency not consistent with disease.